The following is an entry in ClinVar:

NM_001386298.1(CIC):c.4039GAG[1] (p.Glu1348del)

Gene: CIC (capicua transcriptional repressor; plus strand). Cytogenetic location: 19q13.2.
Variant type: Microsatellite.
Coding change: c.4039GAG[1] on transcript NM_001386298.1 (MANE Select); one copy of the 3-base unit GAG starting at c.4039; the reference has two copies in a row; one copy, 3 bases deleted.
Protein change: p.Glu1348del; deletes glutamic acid 1348.
Molecular consequence: inframe deletion.
Genome position (GRCh38, 1-based): chr19:42,289,361-42,289,363, GAG deleted; deleting any 3 consecutive bases within chr19:42,289,358-42,289,363 gives the same sequence; the position shown is the placement nearest the transcript's 3' end. VCF-style (leftmost placement, unchanged base first): chr19-42289357-TGAG-T. GRCh37 (hg19) VCF-style: chr19-42793509-TGAG-T.
Other names: c.4039GAG[1], p.Glu1348del (NM_001304815.2, NM_001379480.1, NM_001379482.1); c.1312GAG[1], p.Glu439del (NM_001379484.1, NM_001379485.1, NM_015125.5); short protein forms E1348del, E439del.
Identifiers: ClinVar variation 3776487 (VCV003776487.1).

ClinVar aggregate classification (germline): Uncertain significance (1 of 4 stars; one submission).

Submission:

GeneDx
Classification: Uncertain significance. Last evaluated: 2024-10-07. Review status: criteria provided, single submitter. Criteria: GeneDx Variant Classification Process June 2021. Collection method: clinical testing. Allele origin: germline. Affected: yes.
Comment: In-frame deletion of 1 amino acid in a non-repeat region; Not observed at significant frequency in large population cohorts (gnomAD); In silico analysis supports a deleterious effect on protein structure/function; Has not been previously published as pathogenic or benign to our knowledge